The following is an entry in ClinVar:

NM_000492.3:c.3955_3956insAlu

Gene: CFTR (CF transmembrane conductance regulator; plus strand). Cytogenetic location: 7q31.2.
Variant type: Insertion.
Identifiers: ClinVar variation 870279 (VCV000870279.1).

ClinVar aggregate classification (germline): Pathogenic (1 of 4 stars; one submission).

Conditions:
Cystic fibrosis (CF). Also called: MUCOVISCIDOSIS. Identifiers: Orphanet 586, MedGen C0010674, MONDO:0009061, OMIM 219700. Disease mechanism: loss of function.

Submission:

Labcorp Genetics (formerly Invitae), Labcorp
Classification: Pathogenic for Cystic fibrosis. Last evaluated: 2019-07-28. Review status: criteria provided, single submitter. Criteria: Invitae Variant Classification Sherloc (09022015). Collection method: clinical testing. Allele origin: germline.
Comment: This sequence change inserts a large fragment of DNA, likely a transposable element, in exon 24 of the CFTR gene (c.3955_3956insAlu), causing a frameshift at codon 1319 (p.Ala1319fs). The exact size and sequence of the insertion cannot be determined by the current assay. However, the insertion is expected to result in an absent or disrupted protein product. Retrotransposon insertions including LINE1 (L1), Alu, and SVA (SINE-VNTR-Alu) have been reported to be disease-causing through disruption of either a coding region or splice site (PMID: 19763152, 20307669, 22406018) and loss-of-function variants in CFTR are known to be pathogenic (PMID: 1695717, 7691345, 9725922). For these reasons, this variant has been classified as Pathogenic.

Literature cited by the submitters: PubMed 9725922; PubMed 20307669; PubMed 1695717; PubMed 22406018; PubMed 7691345; PubMed 19763152.